The following is an entry in ClinVar:

NM_152393.4(KLHL40):c.1849_1850inv (p.Cys617His)

Gene: KLHL40 (kelch like family member 40; plus strand). Cytogenetic location: 3p22.1.
Variant type: Inversion.
Coding change: c.1849_1850inv on transcript NM_152393.4 (MANE Select).
Protein change: p.Cys617His; replaces cysteine 617 with histidine.
Molecular consequence: missense variant.
Genome position: GRCh38 VCF-style: chr3-42691976-TG-CA. GRCh37 (hg19) VCF-style: chr3-42733468-TG-CA.
Other names: short protein forms C617H.
Identifiers: ClinVar variation 1358078 (VCV001358078.4), ClinGen allele CA2573136985.
Genomic context (GRCh38, chr3:42,691,976, plus strand): 5'-CTGCGGGAGATCGCCTATGCAGCAGGTGCCACCTTCCTACCAGTGCGGCTCAATGTGCTG[TG>CA]CCTGACTAAGATGTGACCAGCTCAGGCAGACTGAACTAAGCACCCCTCCCATCCTGCGAC-3'
Protein context (NP_689606.2, residues 607-621): TFLPVRLNVL[Cys617His]LTKM

ClinVar aggregate classification (germline): Uncertain significance. Review status: criteria provided, multiple submitters, no conflicts (2 of 4 stars). 2 submissions from 2 submitters: Uncertain significance (2). Last evaluated 2022-10-17.

Conditions:
Nemaline myopathy 8 (NEM8). Also called: Nemaline myopathy 8, autosomal recessive. Identifiers: Orphanet 171430, MedGen C3809209, MONDO:0014138, OMIM 615348.

Submissions (2):

Labcorp Genetics (formerly Invitae), Labcorp
Classification: Uncertain significance for Nemaline myopathy 8. Last evaluated: 2022-10-17. Review status: criteria provided, single submitter. Criteria: Invitae Variant Classification Sherloc (09022015). Collection method: clinical testing. Allele origin: germline.
Comment: This sequence change replaces cysteine, which is neutral and slightly polar, with histidine, which is basic and polar, at codon 617 of the KLHL40 protein (p.Cys617His). This variant is present in population databases (no rsID available, gnomAD 0.5%). This variant has not been reported in the literature in individuals affected with KLHL40-related conditions. ClinVar contains an entry for this variant (Variation ID: 1358078). Algorithms developed to predict the effect of missense changes on protein structure and function are either unavailable or do not agree on the potential impact of this missense change (SIFT: "Not Available"; PolyPhen-2: "Benign"; Align-GVGD: "Not Available"). In summary, the available evidence is currently insufficient to determine the role of this variant in disease. Therefore, it has been classified as a Variant of Uncertain Significance.

Blueprint Genetics
Classification: Uncertain significance. Last evaluated: 2022-01-27. Review status: criteria provided, single submitter. Criteria: ACMG Guidelines, 2015. Collection method: clinical testing. Allele origin: germline.